The following is an entry in ClinVar:

NM_000136.3(FANCC):c.1415G>C (p.Gly472Ala)

Genes: AOPEP (aminopeptidase O (putative); plus strand), FANCC (FA complementation group C; minus strand). Cytogenetic location: 9q22.32.
Variant type: single nucleotide variant.
Coding change: c.1415G>C on transcript NM_000136.3 (MANE Select); coding-DNA position 1415, G replaced by C.
Protein change: p.Gly472Ala; replaces glycine 472 with alanine.
Molecular consequence: missense variant.
Genome position (GRCh38, 1-based): chr9:95,107,184, C>G on the plus strand (G>C on the coding strand, the complement: FANCC is on the minus strand). VCF-style: chr9-95107184-C-G. GRCh37 (hg19) VCF-style: chr9-97869466-C-G.
Other names: c.1415G>C, p.Gly472Ala (NM_001243743.2); short protein forms G472A.
Identifiers: ClinVar variation 4870956 (VCV004870956.1).

ClinVar aggregate classification (germline): Uncertain significance (1 of 4 stars; one submission).

Conditions:
Hereditary cancer-predisposing syndrome. Also called: Neoplastic Syndromes, Hereditary; Hereditary Cancer Syndrome; Hereditary neoplastic syndrome; Tumor predisposition. Identifiers: Orphanet 140162, MedGen C0027672, MeSH D009386, MONDO:0015356.

Submission:

Ambry Genetics
Classification: Uncertain significance for Hereditary cancer-predisposing syndrome. Last evaluated: 2026-05-14. Review status: criteria provided, single submitter. Criteria: Ambry Variant Classification Scheme 2023. Collection method: clinical testing. Allele origin: germline.
Comment: The p.G472A variant (also known as c.1415G>C), located in coding exon 13 of the FANCC gene, results from a G to C substitution at nucleotide position 1415. The glycine at codon 472 is replaced by alanine, an amino acid with similar properties. This amino acid position is conserved. In addition, this alteration is predicted to be tolerated by in silico analysis. Based on the available evidence, the clinical significance of this variant remains unclear.